The following is an entry in ClinVar:

NM_031475.3(ESPN):c.813G>A (p.Trp271Ter)

Gene: ESPN (espin; plus strand). Cytogenetic location: 1p36.31.
Variant type: single nucleotide variant.
Coding change: c.813G>A on transcript NM_031475.3 (MANE Select); coding-DNA position 813, G replaced by A.
Protein change: p.Trp271Ter; replaces tryptophan 271 with a stop codon.
Molecular consequence: nonsense.
Genome position (GRCh38, 1-based): chr1:6,440,763, G>A. VCF-style: chr1-6440763-G-A. GRCh37 (hg19) VCF-style: chr1-6500823-G-A.
Other names: c.813G>A, p.Trp271Ter (NM_001367473.1, NM_001367474.1); short protein forms W271*.
Identifiers: ClinVar variation 3617172 (VCV003617172.3).

ClinVar aggregate classification (germline): Conflicting classifications of pathogenicity. Review status: criteria provided, conflicting classifications (1 of 4 stars). 2 submissions from 2 submitters: Likely pathogenic (1); Uncertain significance (1). Last evaluated 2024-06-21.

Conditions:
ESPN-related disorder. Also called: ESPN-related condition.

gnomAD v4.1: 37 of 1,532,572 alleles (0.0024%); highest among the groups gnomAD compares: Non-Finnish European, 0.0031%; no homozygotes.

Submissions (2):

Labcorp Genetics (formerly Invitae), Labcorp
Classification: Uncertain significance. Last evaluated: 2024-06-21. Review status: criteria provided, single submitter. Criteria: Invitae Variant Classification Sherloc (09022015). Collection method: clinical testing. Allele origin: germline.
Comment: This sequence change creates a premature translational stop signal (p.Trp271*) in the ESPN gene. It is expected to result in an absent or disrupted protein product. However, the current clinical and genetic evidence is not sufficient to establish whether loss-of-function variants in ESPN cause disease. The frequency data for this variant in the population databases is considered unreliable, as metrics indicate poor data quality at this position in the gnomAD database. This variant has not been reported in the literature in individuals affected with ESPN-related conditions. In summary, the available evidence is currently insufficient to determine the role of this variant in disease. Therefore, it has been classified as a Variant of Uncertain Significance.

Blueprint Genetics
Classification: Likely pathogenic for ESPN-related disorders. Last evaluated: 2019-06-20. Review status: criteria provided, single submitter. Criteria: ACMG Guidelines, 2015. Collection method: clinical testing. Allele origin: germline. Affected: yes. Observed: 1 variant allele.